The following is an entry in ClinVar:

ClinVar aggregate classification (germline): Conflicting classifications of pathogenicity. Review status: criteria provided, conflicting classifications (1 of 4 stars). 2 submissions from 2 submitters: Uncertain significance (1); Likely benign (1). Last evaluated 2025-07-22.

Conditions:
CHARGE syndrome (CHARGE). Also called: Hittner Hirsch Kreh syndrome; CHARGE ASSOCIATION--COLOBOMA, HEART ANOMALY, CHOANAL ATRESIA, RETARDATION, GENITAL AND EAR ANOMALIES; Coloboma, heart anomaly, choanal atresia, retardation, genital and ear anomalies; CHARGE association; Hall-Hittner syndrome. Identifiers: Orphanet 138, MedGen C0265354, MONDO:0008965.
Inborn genetic diseases. Identifiers: MedGen C0950123, MeSH D030342.

Allele frequency attached by ClinVar (database versions not stated): TOPMed 0.00001; gnomAD exomes 0.00002; ExAC 0.00004.
gnomAD v4.1: 12 of 1,613,810 alleles (0.00074%); highest among the groups gnomAD compares: South Asian, 0.0022%; no homozygotes.

Submissions (2):

Labcorp Genetics (formerly Invitae), Labcorp
Classification: Likely benign for CHARGE syndrome. Last evaluated: 2025-07-22. Review status: criteria provided, single submitter. Criteria: Invitae Variant Classification Sherloc (09022015). Collection method: clinical testing. Allele origin: germline.

Ambry Genetics
Classification: Uncertain significance for Inborn genetic diseases. Last evaluated: 2021-09-20. Review status: criteria provided, single submitter. Criteria: Ambry Variant Classification Scheme 2023. Collection method: clinical testing. Allele origin: germline.
Comment: The p.R1339Q variant (also known as c.4016G>A), located in coding exon 16 of the CHD7 gene, results from a G to A substitution at nucleotide position 4016. The arginine at codon 1339 is replaced by glutamine, an amino acid with highly similar properties. This amino acid position is conserved. In addition, the in silico prediction for this alteration is inconclusive. Since supporting evidence is limited at this time, the clinical significance of this alteration remains unclear.

NM_017780.4(CHD7):c.4016G>A (p.Arg1339Gln)

Gene: CHD7 (chromodomain helicase DNA binding protein 7; plus strand). Cytogenetic location: 8q12.2.
Variant type: single nucleotide variant.
Coding change: c.4016G>A on transcript NM_017780.4 (MANE Select); coding-DNA position 4016, G replaced by A.
Protein change: p.Arg1339Gln; replaces arginine 1339 with glutamine.
Molecular consequence: missense variant. On other transcripts: intron variant (1).
Genome position (GRCh38, 1-based): chr8:60,836,843, G>A. VCF-style: chr8-60836843-G-A. GRCh37 (hg19) VCF-style: chr8-61749402-G-A.
Other names: c.1717-25386G>A (NM_001316690.1); short protein forms R1339Q.
Identifiers: ClinVar variation 1381504 (VCV001381504.8), dbSNP rs770876591, ClinGen allele CA4760079.